The following is an entry in ClinVar:

NM_000501.4(ELN):c.1550C>T (p.Pro517Leu)

Genes: ELN (elastin; plus strand), ELN-AS1 (ELN antisense RNA 1; minus strand). Cytogenetic location: 7q11.23.
Variant type: single nucleotide variant.
Coding change: c.1550C>T on transcript NM_000501.4 (MANE Select); coding-DNA position 1550, C replaced by T.
Protein change: p.Pro517Leu; replaces proline 517 with leucine.
Molecular consequence: missense variant. On other transcripts: non-coding transcript variant (1).
Genome position (GRCh38, 1-based): chr7:74,060,021, C>T. VCF-style: chr7-74060021-C-T. GRCh37 (hg19) VCF-style: chr7-73474351-C-T.
Other names: c.1463C>T, p.Pro488Leu (NM_001081752.3); c.1508C>T, p.Pro503Leu (NM_001081753.3); c.1565C>T, p.Pro522Leu (NM_001081754.3); c.1493C>T, p.Pro498Leu (NM_001081755.3); c.1550C>T, p.Pro517Leu (NM_001278912.2); c.1307C>T, p.Pro436Leu (NM_001278913.2); c.1478C>T, p.Pro493Leu (NM_001278914.2); c.1568C>T, p.Pro523Leu (NM_001278915.2); and 4 more; short protein forms P498L, P546L, P436L, P484L, P488L, P503L, P507L, P517L.
Identifiers: ClinVar variation 4705314 (VCV004705314.1).

ClinVar aggregate classification (germline): Uncertain significance (1 of 4 stars; one submission).

Conditions:
Supravalvar aortic stenosis (SVAS). Also called: Supravalvar aortic stenosis, Eisenberg type. Identifiers: Orphanet 3193, MedGen C0003499, MONDO:0008504, OMIM 185500, HP:0004381.

gnomAD v4.1: 3 of 1,613,870 alleles (0.00019%); highest among the groups gnomAD compares: Non-Finnish European, 0.00025%; no homozygotes.

Submission:

Labcorp Genetics (formerly Invitae), Labcorp
Classification: Uncertain significance for Supravalvar aortic stenosis. Last evaluated: 2025-05-05. Review status: criteria provided, single submitter. Criteria: Invitae Variant Classification Sherloc (09022015). Collection method: clinical testing. Allele origin: germline.
Comment: This sequence change replaces proline, which is neutral and non-polar, with leucine, which is neutral and non-polar, at codon 546 of the ELN protein (p.Pro546Leu). This variant is not present in population databases (gnomAD no frequency). This variant has not been reported in the literature in individuals affected with ELN-related conditions. Experimental studies and prediction algorithms are not available or were not evaluated, and the functional significance of this variant is currently unknown. In summary, the available evidence is currently insufficient to determine the role of this variant in disease. Therefore, it has been classified as a Variant of Uncertain Significance.